The following is an entry in ClinVar:

NM_002227.4(JAK1):c.3319A>T (p.Thr1107Ser)

Gene: JAK1 (Janus kinase 1; minus strand). Cytogenetic location: 1p31.3.
Variant type: single nucleotide variant.
Coding change: c.3319A>T on transcript NM_002227.4 (MANE Select); coding-DNA position 3319, A replaced by T.
Protein change: p.Thr1107Ser; replaces threonine 1107 with serine.
Molecular consequence: missense variant.
Genome position (GRCh38, 1-based): chr1:64,835,446, T>A on the plus strand (A>T on the coding strand, the complement: JAK1 is on the minus strand). VCF-style: chr1-64835446-T-A. GRCh37 (hg19) VCF-style: chr1-65301129-T-A.
Other names: c.3319A>T, p.Thr1107Ser (NM_001320923.2, NM_001321852.2, NM_001321853.2 and 3 more transcripts); c.3316A>T, p.Thr1106Ser (NM_001321857.2); short protein forms T1107S, T1106S.
Identifiers: ClinVar variation 2783877 (VCV002783877.3), dbSNP rs2523970939, ClinGen allele CA340660206.

ClinVar aggregate classification (germline): Uncertain significance (1 of 4 stars; one submission).

Submission:

Labcorp Genetics (formerly Invitae), Labcorp
Classification: Uncertain significance. Last evaluated: 2024-05-08. Review status: criteria provided, single submitter. Criteria: Invitae Variant Classification Sherloc (09022015). Collection method: clinical testing. Allele origin: germline.
Comment: This sequence change replaces threonine, which is neutral and polar, with serine, which is neutral and polar, at codon 1107 of the JAK1 protein (p.Thr1107Ser). This variant is not present in population databases (gnomAD no frequency). This variant has not been reported in the literature in individuals affected with JAK1-related conditions. Advanced modeling of protein sequence and biophysical properties (such as structural, functional, and spatial information, amino acid conservation, physicochemical variation, residue mobility, and thermodynamic stability) performed at Invitae indicates that this missense variant is not expected to disrupt JAK1 protein function with a negative predictive value of 80%. In summary, the available evidence is currently insufficient to determine the role of this variant in disease. Therefore, it has been classified as a Variant of Uncertain Significance.